The following is an entry in ClinVar:

NM_002047.4(GARS1):c.52C>A (p.Leu18Met)

Gene: GARS1 (glycyl-tRNA synthetase 1; plus strand). Cytogenetic location: 7p14.3.
Variant type: single nucleotide variant.
Coding change: c.52C>A on transcript NM_002047.4 (MANE Select); coding-DNA position 52, C replaced by A.
Protein change: p.Leu18Met; replaces leucine 18 with methionine.
Molecular consequence: missense variant. On other transcripts: 5 prime UTR variant (1).
Genome position (GRCh38, 1-based): chr7:30,594,973, C>A. VCF-style: chr7-30594973-C-A. GRCh37 (hg19) VCF-style: chr7-30634589-C-A.
Other names: c.-111C>A (NM_001316772.1); short protein forms L18M.
Identifiers: ClinVar variation 962841 (VCV000962841.10), dbSNP rs368574634, ClinGen allele CA4205579.
Genomic context (GRCh38, chr7:30,594,973, plus strand): 5'-CGCAGGCTCATGCCCTCTCCGCGTCCAGTGCTGCTTAGAGGTGCTCGCGCCGCTCTGCTG[C>A]TGCTGCTGCCGCCCCGGCTCTTAGCCCGACCCTCGCTCCTGCTCCGCCGGTCCCTCAGCG-3'
Protein context (NP_002038.2, residues 8-28): LLRGARAALL[Leu18Met]LLPPRLLARP

ClinVar aggregate classification (germline): Uncertain significance. Review status: criteria provided, multiple submitters, no conflicts (2 of 4 stars). 2 submissions from 2 submitters: Uncertain significance (2). Last evaluated 2024-06-21.

Conditions:
Charcot-Marie-Tooth disease type 2. Also called: Charcot-Marie-Tooth type 2. Identifiers: Orphanet 64746, MedGen C0270914, MONDO:0018993.

Allele frequency attached by ClinVar (database versions not stated): ExAC 0.00001; gnomAD 0.00003; TOPMed 0.00007; ESP Exome Variant Server 0.00008.
gnomAD v4.1: 9 of 1,595,172 alleles (0.00056%); highest among the groups gnomAD compares: African/African-American, 0.012%; no homozygotes.

Submissions (2):

Labcorp Genetics (formerly Invitae), Labcorp
Classification: Uncertain significance for Charcot-Marie-Tooth disease type 2. Last evaluated: 2024-06-21. Review status: criteria provided, single submitter. Criteria: Invitae Variant Classification Sherloc (09022015). Collection method: clinical testing. Allele origin: germline.
Comment: This sequence change replaces leucine, which is neutral and non-polar, with methionine, which is neutral and non-polar, at codon 18 of the GARS protein (p.Leu18Met). The frequency data for this variant in the population databases is considered unreliable, as metrics indicate poor data quality at this position in the gnomAD database. This variant has not been reported in the literature in individuals affected with GARS-related conditions. ClinVar contains an entry for this variant (Variation ID: 962841). Advanced modeling of protein sequence and biophysical properties (such as structural, functional, and spatial information, amino acid conservation, physicochemical variation, residue mobility, and thermodynamic stability) performed at Invitae indicates that this missense variant is not expected to disrupt GARS protein function with a negative predictive value of 95%. In summary, the available evidence is currently insufficient to determine the role of this variant in disease. Therefore, it has been classified as a Variant of Uncertain Significance.

Women's Health and Genetics/Laboratory Corporation of America, LabCorp
Classification: Uncertain significance. Last evaluated: 2024-01-03. Review status: criteria provided, single submitter. Criteria: LabCorp Variant Classification Summary - May 2015. Collection method: clinical testing. Allele origin: germline.
Comment: Variant summary: GARS1 c.52C>A (p.Leu18Met) results in a conservative amino acid change in the encoded protein sequence. Four of four in-silico tools predict a benign effect of the variant on protein function. The variant allele was found at a frequency of 5.6e-06 in 1595172 control chromosomes. The available data on variant occurrences in the general population are insufficient to allow any conclusion about variant significance. To our knowledge, no occurrence of c.52C>A in individuals affected with GARS1-Related Disorders and no experimental evidence demonstrating its impact on protein function have been reported. One submitter has cited clinical-significance assessments for this variant to ClinVar after 2014 and has classified the variant as uncertain significance. Based on the evidence outlined above, the variant was classified as uncertain significance.